The following is an entry in ClinVar:

ClinVar aggregate classification (germline): Uncertain significance. Review status: criteria provided, multiple submitters, no conflicts (2 of 4 stars). 2 submissions from 2 submitters: Uncertain significance (2). Last evaluated 2023-04-11.

Conditions:
Primary ciliary dyskinesia. Also called: Ciliary dyskinesia. Identifiers: Orphanet 244, MedGen C0008780, MONDO:0016575, HP:0012265.

Allele frequency attached by ClinVar (database versions not stated): ExAC 0.00007.

Submissions (2):

Ambry Genetics
Classification: Uncertain significance for Primary ciliary dyskinesia. Last evaluated: 2023-04-11. Review status: criteria provided, single submitter. Criteria: Ambry Variant Classification Scheme 2023. Collection method: clinical testing. Allele origin: germline.
Comment: The p.R1606G variant (also known as c.4816A>G), located in coding exon 27 of the DNAH11 gene, results from an A to G substitution at nucleotide position 4816. The arginine at codon 1606 is replaced by glycine, an amino acid with dissimilar properties. This amino acid position is conserved. In addition, the in silico prediction for this alteration is inconclusive. Since supporting evidence is limited at this time, the clinical significance of this alteration remains unclear.

Blueprint Genetics
Classification: Uncertain significance. Last evaluated: 2021-03-29. Review status: criteria provided, single submitter. Criteria: ACMG Guidelines, 2015. Collection method: clinical testing. Allele origin: germline.

NM_001277115.2(DNAH11):c.4816A>G (p.Arg1606Gly)

Gene: DNAH11 (dynein axonemal heavy chain 11; plus strand). Cytogenetic location: 7p15.3.
Variant type: single nucleotide variant.
Coding change: c.4816A>G on transcript NM_001277115.2 (MANE Select); coding-DNA position 4816, A replaced by G.
Protein change: p.Arg1606Gly; replaces arginine 1606 with glycine.
Molecular consequence: missense variant.
Genome position (GRCh38, 1-based): chr7:21,637,701, A>G. VCF-style: chr7-21637701-A-G. GRCh37 (hg19) VCF-style: chr7-21677319-A-G.
Other names: c.4831A>G, p.Arg1611Gly (NM_003777.3); short protein forms R1606G, R1611G.
Identifiers: ClinVar variation 2568399 (VCV002568399.3), dbSNP rs531592483, ClinGen allele CA4180170.